The following is an entry in ClinVar:

NM_031844.3(HNRNPU):c.2013A>C (p.Glu671Asp)

Gene: HNRNPU (heterogeneous nuclear ribonucleoprotein U; minus strand). Cytogenetic location: 1q44.
Variant type: single nucleotide variant.
Coding change: c.2013A>C on transcript NM_031844.3 (MANE Select); coding-DNA position 2013, A replaced by C.
Protein change: p.Glu671Asp; replaces glutamic acid 671 with aspartic acid.
Molecular consequence: missense variant.
Genome position (GRCh38, 1-based): chr1:244,856,058, T>G on the plus strand (A>C on the coding strand, the complement: HNRNPU is on the minus strand). VCF-style: chr1-244856058-T-G. GRCh37 (hg19) VCF-style: chr1-245019360-T-G.
Other names: c.1956A>C, p.Glu652Asp (NM_004501.3); short protein forms E652D, E671D.
Identifiers: ClinVar variation 1694553 (VCV001694553.31), dbSNP rs373573514, ClinGen allele CA345488255.

ClinVar aggregate classification (germline): Uncertain significance (1 of 4 stars; one submission).

Submission:

CeGaT Center for Human Genetics Tuebingen
Classification: Uncertain significance. Last evaluated: 2022-05-01. Review status: criteria provided, single submitter. Criteria: CeGaT Center For Human Genetics Tuebingen Variant Classification Criteria Version 2. Collection method: clinical testing. Allele origin: germline. Affected: yes. Observed: 1 variant allele.
Comment: HNRNPU: PM2, PP2